The following is an entry in ClinVar:

NM_017849.4(TMEM127):c.563T>A (p.Ile188Asn)

Gene: TMEM127 (transmembrane protein 127; minus strand). Cytogenetic location: 2q11.2.
Variant type: single nucleotide variant.
Coding change: c.563T>A on transcript NM_017849.4 (MANE Select); coding-DNA position 563, T replaced by A.
Protein change: p.Ile188Asn; replaces isoleucine 188 with asparagine.
Molecular consequence: missense variant.
Genome position (GRCh38, 1-based): chr2:96,253,962, A>T on the plus strand (T>A on the coding strand, the complement: TMEM127 is on the minus strand). VCF-style: chr2-96253962-A-T. GRCh37 (hg19) VCF-style: chr2-96919700-A-T.
Other names: c.563T>A, p.Ile188Asn (NM_001193304.3); c.311T>A, p.Ile104Asn (NM_001407282.1, NM_001407283.1); short protein forms I104N, I188N.
Identifiers: ClinVar variation 5030938 (VCV005030938.1).

ClinVar aggregate classification (germline): Uncertain significance (1 of 4 stars; one submission).

Conditions:
Hereditary cancer-predisposing syndrome. Also called: Neoplastic Syndromes, Hereditary; Tumor predisposition; Hereditary neoplastic syndrome; Hereditary Cancer Syndrome. Identifiers: Orphanet 140162, MedGen C0027672, MeSH D009386, MONDO:0015356.

Submission:

Ambry Genetics
Classification: Uncertain significance for Hereditary cancer-predisposing syndrome. Last evaluated: 2026-09-07. Review status: criteria provided, single submitter. Criteria: Ambry Variant Classification Scheme 2023. Collection method: clinical testing. Allele origin: germline.
Comment: The p.I188N variant (also known as c.563T>A), located in coding exon 3 of the TMEM127 gene, results from a T to A substitution at nucleotide position 563. The isoleucine at codon 188 is replaced by asparagine, an amino acid with dissimilar properties. This amino acid position is conserved. In addition, this alteration is predicted to be deleterious by in silico analysis. Based on the available evidence, the clinical significance of this variant remains unclear.